The following is an entry in ClinVar:

ClinVar aggregate classification (germline): Pathogenic. Review status: criteria provided, multiple submitters, no conflicts (2 of 4 stars). 2 submissions from 2 submitters: Pathogenic (2). Last evaluated 2026-09-14.

Conditions:
Cardiovascular phenotype. Identifiers: MedGen CN230736.
Arrhythmogenic cardiomyopathy with wooly hair and keratoderma. Also called: Arrhythmogenic cardiomyopathy with woolly hair and keratoderma; PALMOPLANTAR KERATODERMA WITH LEFT VENTRICULAR CARDIOMYOPATHY AND WOOLLY HAIR; Carvajal syndrome; Dilated cardiomyopathy with woolly hair and keratoderma. Identifiers: Orphanet 65282, MedGen C1854063, MONDO:0011581, OMIM 605676.
Arrhythmogenic right ventricular dysplasia 8 (ARVD8). Also called: Arrhythmogenic Right Ventricular Dysplasia/Cardiomyopathy 8; ARRHYTHMOGENIC RIGHT VENTRICULAR DYSPLASIA, FAMILIAL, 8; ARRHYTHMOGENIC RIGHT VENTRICULAR CARDIOMYOPATHY 8. Identifiers: MedGen C1843896, MONDO:0011831, OMIM 607450.

Submissions (2):

Ambry Genetics
Classification: Pathogenic for Cardiovascular phenotype. Last evaluated: 2026-09-14. Review status: criteria provided, single submitter. Criteria: Ambry Variant Classification Scheme 2023. Collection method: clinical testing. Allele origin: germline.
Comment: The p.Q2128* pathogenic mutation (also known as c.6382C>T), located in coding exon 24 of the DSP gene, results from a C to T substitution at nucleotide position 6382. This changes the amino acid from a glutamine to a stop codon within coding exon 24. This variant is considered to be rare based on population cohorts in the Genome Aggregation Database (gnomAD). This alteration is expected to result in loss of function by premature protein truncation or nonsense-mediated mRNA decay. As such, this alteration is interpreted as a disease-causing mutation.

Labcorp Genetics (formerly Invitae), Labcorp
Classification: Pathogenic for Arrhythmogenic cardiomyopathy with wooly hair and keratoderma; Arrhythmogenic right ventricular dysplasia 8. Last evaluated: 2021-11-24. Review status: criteria provided, single submitter. Criteria: Invitae Variant Classification Sherloc (09022015). Collection method: clinical testing. Allele origin: germline.
Comment: This sequence change creates a premature translational stop signal (p.Gln2128*) in the DSP gene. While this is not anticipated to result in nonsense mediated decay, it is expected to disrupt the last 744 amino acid(s) of the DSP protein. This variant is not present in population databases (gnomAD no frequency). This variant has not been reported in the literature in individuals affected with DSP-related conditions. This variant disrupts a region of the DSP protein in which other variant(s) (p.Glu2728Glyfs*11) have been determined to be pathogenic (Invitae). This suggests that this is a clinically significant region of the protein, and that variants that disrupt it are likely to be disease-causing. For these reasons, this variant has been classified as Pathogenic.

NM_004415.4(DSP):c.6382C>T (p.Gln2128Ter)

Gene: DSP (desmoplakin; plus strand). Cytogenetic location: 6p24.3.
Variant type: single nucleotide variant.
Coding change: c.6382C>T on transcript NM_004415.4 (MANE Select); coding-DNA position 6382, C replaced by T.
Protein change: p.Gln2128Ter; replaces glutamine 2128 with a stop codon.
Molecular consequence: nonsense.
Genome position (GRCh38, 1-based): chr6:7,583,644, C>T. VCF-style: chr6-7583644-C-T. GRCh37 (hg19) VCF-style: chr6-7583877-C-T.
Other names: c.4585C>T, p.Gln1529Ter (NM_001008844.3); c.5053C>T, p.Gln1685Ter (NM_001319034.2); c.6382C>T (NM_004415.2); short protein forms Q1529*, Q1685*, Q2128*.
Identifiers: ClinVar variation 1457917 (VCV001457917.7), dbSNP rs2113700191, ClinGen allele CA362690678.
Genomic context (GRCh38, chr6:7,583,644, plus strand): 5'-TCAGAAGCCATCAAGAAAAATTTGATTGATAGAGAAACCGGAATGCGCCTGCTGGAAGCC[C>T]AGATTGCTTCAGGGGGTGTAGTAGACCCTGTGAACAGTGTCTTTTTGCCAAAAGATGTCG-3'